The following is an entry in ClinVar:

ClinVar aggregate classification (germline): Pathogenic/Likely pathogenic. Review status: criteria provided, multiple submitters, no conflicts (2 of 4 stars). 5 submissions from 3 submitters: Pathogenic (1); Likely pathogenic (4). Last evaluated 2026-01-11.

Conditions:
Hypertrophic cardiomyopathy 26. Also called: Cardiomyopathy, familial hypertrophic, 26. Identifiers: Orphanet 75249, MedGen C4310749, MONDO:0014883, OMIM 617047.
Myofibrillar myopathy 5. Also called: Filaminopathy (type); FILAMINOPATHY, AUTOSOMAL DOMINANT. Identifiers: Orphanet 171445, MedGen C1836050, MONDO:0012289, OMIM 609524.
Distal myopathy with posterior leg and anterior hand involvement. Also called: WILLIAMS DISTAL MYOPATHY. Identifiers: Orphanet 63273, MedGen C3279722, MONDO:0013550, OMIM 614065.
Primary familial dilated cardiomyopathy (FDC). Also called: Familial dilated cardiomyopathy; Hypokinetic dilated cardiomyopathy, familial. Identifiers: Orphanet 217607, MedGen C0340427, MONDO:0016333.

Submissions (5):

Labcorp Genetics (formerly Invitae), Labcorp
Classification: Pathogenic for Distal myopathy with posterior leg and anterior hand involvement; Myofibrillar myopathy 5; Hypertrophic cardiomyopathy 26. Last evaluated: 2026-01-11. Review status: criteria provided, single submitter. Criteria: Invitae Variant Classification Sherloc (09022015). Collection method: clinical testing. Allele origin: germline.
Comment: This sequence change creates a premature translational stop signal (p.Ile2527Metfs*2) in the FLNC gene. It is expected to result in an absent or disrupted protein product. Loss-of-function variants in FLNC are known to be pathogenic (PMID: 27908349). This variant is not present in population databases (gnomAD no frequency). This variant has not been reported in the literature in individuals affected with FLNC-related conditions. ClinVar contains an entry for this variant (Variation ID: 1710099). For these reasons, this variant has been classified as Pathogenic.

Baylor Genetics
Classification: Likely pathogenic for Myofibrillar myopathy 5. Last evaluated: 2023-07-07. Review status: criteria provided, single submitter. Criteria: ACMG Guidelines, 2015. Collection method: clinical testing. Allele origin: unknown.

Baylor Genetics
Classification: Likely pathogenic for Hypertrophic cardiomyopathy 26. Last evaluated: 2023-07-07. Review status: criteria provided, single submitter. Criteria: ACMG Guidelines, 2015. Collection method: clinical testing. Allele origin: unknown.

Baylor Genetics
Classification: Likely pathogenic for Distal myopathy with posterior leg and anterior hand involvement. Last evaluated: 2023-07-07. Review status: criteria provided, single submitter. Criteria: ACMG Guidelines, 2015. Collection method: clinical testing. Allele origin: unknown.

Center for Human Genetics, University of Leuven
Classification: Likely pathogenic for Primary familial dilated cardiomyopathy. Last evaluated: 2021-12-24. Review status: criteria provided, single submitter. Criteria: ACMG Guidelines, 2015. Collection method: clinical testing. Allele origin: inherited. Affected: yes. Observed: 1 variant allele.

Literature cited by the submitters: PubMed 27908349 (cited by Labcorp Genetics (formerly Invitae), Labcorp).

NM_001458.5(FLNC):c.7581del (p.Ile2527fs)

Genes: FLNC-AS1 (FLNC antisense RNA 1; minus strand), FLNC (filamin C; plus strand). Cytogenetic location: 7q32.1.
Variant type: Deletion.
Coding change: c.7581del on transcript NM_001458.5 (MANE Select); coding-DNA position 7581, one base deleted (C; older notation c.7581delC).
Protein change: p.Ile2527fs; shifts the reading frame from isoleucine 2527.
Molecular consequence: frameshift variant.
Genome position (GRCh38, 1-based): chr7:128,857,137, C deleted. VCF-style (leftmost placement, unchanged base first): chr7-128857136-TC-T. GRCh37 (hg19) VCF-style: chr7-128497190-TC-T.
Other names: c.7581del (NM_001458.4); c.7482del, p.Ile2494fs (NM_001127487.2); short protein forms I2494fs, I2527fs.
Identifiers: ClinVar variation 1710099 (VCV001710099.3), dbSNP rs1809098380, ClinGen allele CA1742549899.